The following is an entry in ClinVar:

NM_001267550.2(TTN):c.22734C>A (p.Gly7578=)

Gene: TTN (titin; minus strand). Cytogenetic location: 2q31.2.
Variant type: single nucleotide variant.
Coding change: c.22734C>A on transcript NM_001267550.2 (MANE Select); coding-DNA position 22734, C replaced by A.
Protein change: p.Gly7578=; no amino-acid change (glycine 7578 retained).
Molecular consequence: synonymous variant. On other transcripts: intron variant (3).
Genome position (GRCh38, 1-based): chr2:178,721,929, G>T on the plus strand (C>A on the coding strand, the complement: TTN is on the minus strand). VCF-style: chr2-178721929-G-T. GRCh37 (hg19) VCF-style: chr2-179586656-G-T.
Other names: c.21783C>A, p.Gly7261= (NM_001256850.1); c.19002C>A, p.Gly6334= (NM_133378.4); c.13282+16153C>A (NM_003319.4); c.13858+16153C>A (NM_133437.4); c.13657+16153C>A (NM_133432.3).
Identifiers: ClinVar variation 466912 (VCV000466912.19), dbSNP rs747844754, ClinGen allele CA2000776.

ClinVar aggregate classification (germline): Likely benign. Review status: criteria provided, multiple submitters, no conflicts (2 of 4 stars). 4 submissions from 4 submitters: Likely benign (4). Last evaluated 2026-01-05.

Conditions:
TTN-related disorder. Also called: TTN-related disorders; TTN-related condition; TTN-related disease.
Dilated cardiomyopathy 1G (CMD1G). Identifiers: Orphanet 154, MedGen C1858763, MONDO:0011400, OMIM 604145.
Autosomal recessive limb-girdle muscular dystrophy type 2J (LGMDR10). Also called: Limb-girdle muscular dystrophy, type 2J; MUSCULAR DYSTROPHY, LIMB-GIRDLE, AUTOSOMAL RECESSIVE 10. Identifiers: Orphanet 140922, MedGen C1837342, MONDO:0012127, OMIM 608807.

Allele frequency attached by ClinVar (database versions not stated): gnomAD 0.00003; gnomAD exomes 0.00009 and 0.00021; ExAC 0.00011; TOPMed 0.00015.
gnomAD v4.1: 60 of 1,613,404 alleles (0.0037%); highest among the groups gnomAD compares: Admixed American, 0.098%; 1 homozygote.

Submissions (4):

Labcorp Genetics (formerly Invitae), Labcorp
Classification: Likely benign for Dilated cardiomyopathy 1G; Autosomal recessive limb-girdle muscular dystrophy type 2J. Last evaluated: 2026-01-05. Review status: criteria provided, single submitter. Criteria: Invitae Variant Classification Sherloc (09022015). Collection method: clinical testing. Allele origin: germline.

CeGaT Center for Human Genetics Tuebingen
Classification: Likely benign. Last evaluated: 2025-11-01. Review status: criteria provided, single submitter. Criteria: CeGaT Center For Human Genetics Tuebingen Variant Classification Criteria Version 2. Collection method: clinical testing. Allele origin: germline. Affected: yes. Observed: 1 variant allele.
Comment: TTN: BP4, BP7

PreventionGenetics, part of Exact Sciences
Classification: Likely benign for TTN-related condition. Last evaluated: 2025-10-08. Review status: criteria provided, single submitter. Criteria: ACMG Guidelines, 2015. Collection method: clinical testing. Allele origin: germline.
Comment: This variant is classified as likely benign based on ACMG/AMP sequence variant interpretation guidelines (Richards et al. 2015 PMID: 25741868, with internal and published modifications).

ARUP Laboratories, Molecular Genetics and Genomics, ARUP Laboratories
Classification: Likely benign. Last evaluated: 2024-08-07. Review status: criteria provided, single submitter. Criteria: ARUP Molecular Germline Variant Investigation Process 2024. Collection method: clinical testing. Allele origin: germline.